The following is an entry in ClinVar:

ClinVar aggregate classification (germline): Likely pathogenic (1 of 4 stars; one submission).

Conditions:
Pulmonary fibrosis and/or bone marrow failure, Telomere-related, 3. Also called: PULMONARY FIBROSIS AND/OR BONE MARROW FAILURE SYNDROME, TELOMERE-RELATED, 3. Identifiers: Orphanet 2032, MedGen C4225346, MONDO:0014613, OMIM 616373.
Dyskeratosis congenita, autosomal recessive 5 (DKCB5). Identifiers: MedGen C3554656, MONDO:0014076, OMIM 615190.

Submission:

Labcorp Genetics (formerly Invitae), Labcorp
Classification: Likely pathogenic for Dyskeratosis congenita, autosomal recessive 5; Pulmonary fibrosis and/or bone marrow failure, Telomere-related, 3. Last evaluated: 2024-08-06. Review status: criteria provided, single submitter. Criteria: Invitae Variant Classification Sherloc (09022015). Collection method: clinical testing. Allele origin: germline.
Comment: This sequence change affects an acceptor splice site in intron 29 of the RTEL1 gene. It is expected to disrupt RNA splicing. Variants that disrupt the donor or acceptor splice site typically lead to a loss of protein function (PMID: 16199547), and loss-of-function variants in RTEL1 are known to be pathogenic (PMID: 23453664, 23959892, 25607374). This variant is not present in population databases (gnomAD no frequency). This variant has not been reported in the literature in individuals affected with RTEL1-related conditions. Algorithms developed to predict the effect of sequence changes on RNA splicing suggest that this variant may disrupt the consensus splice site. In summary, the currently available evidence indicates that the variant is pathogenic, but additional data are needed to prove that conclusively. Therefore, this variant has been classified as Likely Pathogenic.

Literature cited by the submitters: PubMed 16199547; PubMed 23453664; PubMed 23959892; PubMed 25607374.

NM_001283009.2(RTEL1):c.2852-2A>C

Genes: RTEL1 (regulator of telomere elongation helicase 1; plus strand), RTEL1-TNFRSF6B (RTEL1-TNFRSF6B readthrough (NMD candidate); plus strand). Cytogenetic location: 20q13.33.
Variant type: single nucleotide variant.
Coding change: c.2852-2A>C on transcript NM_001283009.2 (MANE Select); the canonical splice acceptor site of the intron before coding-DNA position 2852, A replaced by C.
Molecular consequence: splice acceptor variant.
Genome position (GRCh38, 1-based): chr20:63,693,141, A>C. VCF-style: chr20-63693141-A-C. GRCh37 (hg19) VCF-style: chr20-62324494-A-C.
Other names: c.2183-2A>C (NM_001283010.1); c.2924-2A>C (NM_032957.5); c.2852-2A>C (NM_016434.4).
Identifiers: ClinVar variation 3750218 (VCV003750218.2).